The following is an entry in ClinVar:

ClinVar aggregate classification (germline): Uncertain significance (1 of 4 stars; one submission).

Submission:

Greenwood Genetic Center Diagnostic Laboratories, Greenwood Genetic Center
Classification: Uncertain significance. Last evaluated: 2024-08-29. Review status: criteria provided, single submitter. Criteria: ACMG Guidelines, 2015. Collection method: clinical testing. Allele origin: germline. Affected: yes.
Comment: PM2

NM_001005273.3(CHD3):c.2755C>T (p.Leu919=)

Gene: CHD3 (chromodomain helicase DNA binding protein 3; plus strand). Cytogenetic location: 17p13.1.
Variant type: single nucleotide variant.
Coding change: c.2755C>T on transcript NM_001005273.3 (MANE Select); coding-DNA position 2755, C replaced by T.
Protein change: p.Leu919=; no amino-acid change (leucine 919 retained).
Molecular consequence: synonymous variant.
Genome position (GRCh38, 1-based): chr17:7,900,362, C>T. VCF-style: chr17-7900362-C-T. GRCh37 (hg19) VCF-style: chr17-7803680-C-T.
Other names: c.2932C>T, p.Leu978= (NM_001005271.3); c.2755C>T, p.Leu919= (NM_005852.4).
Identifiers: ClinVar variation 3765617 (VCV003765617.1).